The following is an entry in ClinVar:

NM_015570.4(AUTS2):c.1904T>G (p.Leu635Trp)

Gene: AUTS2 (activator of transcription and developmental regulator AUTS2; plus strand). Cytogenetic location: 7q11.22.
Variant type: single nucleotide variant.
Coding change: c.1904T>G on transcript NM_015570.4 (MANE Select); coding-DNA position 1904, T replaced by G.
Protein change: p.Leu635Trp; replaces leucine 635 with tryptophan.
Molecular consequence: missense variant.
Genome position (GRCh38, 1-based): chr7:70,775,358, T>G. VCF-style: chr7-70775358-T-G. GRCh37 (hg19) VCF-style: chr7-70240344-T-G.
Other names: c.1832T>G, p.Leu611Trp (NM_001127231.3); short protein forms L611W, L635W.
Identifiers: ClinVar variation 3640282 (VCV003640282.2).

ClinVar aggregate classification (germline): Uncertain significance (1 of 4 stars; one submission).

Submission:

Labcorp Genetics (formerly Invitae), Labcorp
Classification: Uncertain significance. Last evaluated: 2024-02-12. Review status: criteria provided, single submitter. Criteria: Invitae Variant Classification Sherloc (09022015). Collection method: clinical testing. Allele origin: germline.
Comment: This sequence change replaces leucine, which is neutral and non-polar, with tryptophan, which is neutral and slightly polar, at codon 635 of the AUTS2 protein (p.Leu635Trp). This variant is not present in population databases (gnomAD no frequency). This variant has not been reported in the literature in individuals affected with AUTS2-related conditions. An algorithm developed to predict the effect of missense changes on protein structure and function (PolyPhen-2) suggests that this variant is likely to be disruptive. In summary, the available evidence is currently insufficient to determine the role of this variant in disease. Therefore, it has been classified as a Variant of Uncertain Significance.